The following is an entry in ClinVar:

ClinVar aggregate classification (germline): Uncertain significance. Review status: criteria provided, single submitter (1 of 4 stars). 2 submissions from 2 submitters: Uncertain significance (1). 1 of the submissions does not count toward it. Last evaluated 2025-03-26.

Conditions:
DNHD1-related disorder. Also called: DNHD1-related condition.

Allele frequency attached by ClinVar (database versions not stated): 1000 Genomes Project 30x 0.00047; ExAC 0.00005; ESP Exome Variant Server 0.00066; gnomAD exomes 0.00005; 1000 Genomes Project 0.00040; gnomAD 0.00056; TOPMed 0.00060.
gnomAD v4.1: 157 of 1,551,706 alleles (0.01%); highest among the groups gnomAD compares: African/African-American, 0.21%; 2 homozygotes.

Submissions (2):

Ambry Genetics
Classification: Uncertain significance. Last evaluated: 2025-03-26. Review status: criteria provided, single submitter. Criteria: Ambry Variant Classification Scheme 2023. Collection method: clinical testing. Allele origin: germline.

PreventionGenetics, part of Exact Sciences
Classification: Likely benign for DNHD1-related condition. Last evaluated: 2023-06-06. Review status: no assertion criteria provided. Collection method: clinical testing. Allele origin: germline. Not counted in ClinVar's aggregate classification.
Comment: This variant is classified as likely benign based on ACMG/AMP sequence variant interpretation guidelines (Richards et al. 2015 PMID: 25741868, with internal and published modifications).

NM_144666.3(DNHD1):c.7056C>G (p.Ser2352Arg)

Gene: DNHD1 (dynein heavy chain domain 1; plus strand). Cytogenetic location: 11p15.4.
Variant type: single nucleotide variant.
Coding change: c.7056C>G on transcript NM_144666.3 (MANE Select); coding-DNA position 7056, C replaced by G.
Protein change: p.Ser2352Arg; replaces serine 2352 with arginine.
Molecular consequence: missense variant.
Genome position (GRCh38, 1-based): chr11:6,548,360, C>G. VCF-style: chr11-6548360-C-G. GRCh37 (hg19) VCF-style: chr11-6569590-C-G.
Other names: short protein forms S2352R.
Identifiers: ClinVar variation 2224707 (VCV002224707.5), dbSNP rs187920205, ClinGen allele CA5856199.